The following is an entry in ClinVar:

ClinVar aggregate classification (germline): Pathogenic (1 of 4 stars; one submission).

Conditions:
Progressive sclerosing poliodystrophy (MTDPS4A). Also called: ALPERS PROGRESSIVE INFANTILE POLIODYSTROPHY; NEURONAL DEGENERATION OF CHILDHOOD WITH LIVER DISEASE, PROGRESSIVE; Alpers Syndrome; ALPERS DIFFUSE DEGENERATION OF CEREBRAL GRAY MATTER WITH HEPATIC CIRRHOSIS; Alpers-Huttenlocher Syndrome; Mitochondrial DNA Depletion Syndrome 4A. Identifiers: Orphanet 726, MedGen C0205710, MONDO:0008758, OMIM 203700.

Submission:

Labcorp Genetics (formerly Invitae), Labcorp
Classification: Pathogenic for Progressive sclerosing poliodystrophy. Last evaluated: 2023-01-08. Review status: criteria provided, single submitter. Criteria: Invitae Variant Classification Sherloc (09022015). Collection method: clinical testing. Allele origin: germline.
Comment: For these reasons, this variant has been classified as Pathogenic. This variant has not been reported in the literature in individuals affected with POLG-related conditions. This variant is not present in population databases (gnomAD no frequency). This sequence change creates a premature translational stop signal (p.Arg42Alafs*205) in the POLG gene. It is expected to result in an absent or disrupted protein product. Loss-of-function variants in POLG are known to be pathogenic (PMID: 18546365).

Literature cited by the submitters: PubMed 18546365.

NM_002693.3(POLG):c.110_119dup (p.Arg42fs)

Genes: POLG (DNA polymerase gamma, catalytic subunit; minus strand), POLGARF (POLG alternative reading frame; minus strand). Cytogenetic location: 15q26.1.
Variant type: Duplication.
Coding change: c.110_119dup on transcript NM_002693.3 (MANE Select); coding-DNA positions 110 to 119, 10 bases duplicated (ACGGGCAGCG; older notation c.110_119dupACGGGCAGCG).
Protein change: p.Arg42fs; shifts the reading frame from arginine 42.
Molecular consequence: frameshift variant.
Genome position (GRCh38, 1-based): chr15:89,333,636-89,333,645, CGCTGCCCGT duplicated on the plus strand (ACGGGCAGCG on the coding strand, the reverse complement: POLG is on the minus strand); duplicating any 10 consecutive bases within chr15:89,333,636-89,333,650 gives the same sequence; the c. name uses the placement nearest the transcript's 3' end. VCF-style (leftmost placement, unchanged base first): chr15-89333635-C-CCGCTGCCCGT. GRCh37 (hg19) VCF-style: chr15-89876866-C-CCGCTGCCCGT.
Other names: c.110_119dup, p.Arg42fs (NM_001126131.2); short protein forms R42fs.
Identifiers: ClinVar variation 2826970 (VCV002826970.3), dbSNP rs2509277695, ClinGen allele CA2739269696.
Genomic context (GRCh38, chr15:89,333,635, plus strand): 5'-TTGCGGCTGCTGAGGCTGCTGTTGCTGCTGCTGCTGCTGCTGCTGCTGCTGCTGCCGCCG[C>CCGCTGCCCGT]CGCTGCCCGTCGCTGGGGTCGGACGCGGGGACGGAGCTGGAGACCCAGCGCCCCGGAGCT-3'